The following is an entry in ClinVar:

NM_000243.3(MEFV):c.910+4A>G

Gene: MEFV (MEFV innate immuity regulator, pyrin; minus strand). Cytogenetic location: 16p13.3.
Variant type: single nucleotide variant.
Coding change: c.910+4A>G on transcript NM_000243.3 (MANE Select); 4 bases into the intron after coding-DNA position 910, A replaced by G.
Molecular consequence: intron variant.
Genome position (GRCh38, 1-based): chr16:3,254,154, T>C on the plus strand (A>G on the coding strand, the complement: MEFV is on the minus strand). VCF-style: chr16-3254154-T-C. GRCh37 (hg19) VCF-style: chr16-3304154-T-C.
Other names: c.277+2157A>G (NM_001198536.2).
Identifiers: ClinVar variation 633303 (VCV000633303.1), dbSNP rs1335042159, ClinGen allele CA620713322.

ClinVar aggregate classification (germline): Uncertain significance (1 of 4 stars; one submission).

Allele frequency attached by ClinVar (database versions not stated): gnomAD exomes below 0.00001.
gnomAD v4.1: 1 of 1,613,924 alleles (0.000062%); highest among the groups gnomAD compares: East Asian, 0.0022%; no homozygotes.

Submission:

Women's Health and Genetics/Laboratory Corporation of America, LabCorp
Classification: Uncertain significance. Last evaluated: 2018-12-03. Review status: criteria provided, single submitter. Criteria: LabCorp Variant Classification Summary - May 2015. Collection method: clinical testing. Allele origin: germline.
Comment: Variant summary: MEFV c.910+4A>G alters a non-conserved nucleotide located close to a canonical splice site and therefore could affect mRNA splicing, leading to a significantly altered protein sequence. Several computational tools predict a significant impact on normal splicing: Two predict the variant abolishes a 5 splicing donor site. Three predict the variant weakens a 5' donor site. However, these predictions have yet to be confirmed by functional studies. The variant allele was found at a frequency of 4.1e-06 in 244684 control chromosomes. The available data on variant occurrences in the general population are insufficient to allow any conclusion about variant significance. To our knowledge, no occurrence of c.910+4A>G in individuals affected with Familial Mediterranean Fever and no experimental evidence demonstrating its impact on protein function have been reported. No clinical diagnostic laboratories have submitted clinical-significance assessments for this variant to ClinVar after 2014. Based on the evidence outlined above, the variant was classified as uncertain significance.